The following is an entry in ClinVar:

ClinVar aggregate classification (germline): Uncertain significance. Review status: criteria provided, multiple submitters, no conflicts (2 of 4 stars). 4 submissions from 4 submitters: Uncertain significance (4). Last evaluated 2025-10-29.

Conditions:
Juvenile polyposis syndrome (JPS). Identifiers: Orphanet 2929, MedGen C0345893, MONDO:0017380, OMIM 174900.
Hereditary cancer-predisposing syndrome. Also called: Tumor predisposition; Hereditary Cancer Syndrome; Neoplastic Syndromes, Hereditary; Hereditary neoplastic syndrome. Identifiers: Orphanet 140162, MedGen C0027672, MeSH D009386, MONDO:0015356.
Familial thoracic aortic aneurysm and aortic dissection (TAAD). Also called: Thoracic aortic aneurysms and dissections. Identifiers: Orphanet 91387, MedGen C4707243, MONDO:0019625.

Allele frequency attached by ClinVar (database versions not stated): TOPMed below 0.00001.

Submissions (4):

Labcorp Genetics (formerly Invitae), Labcorp
Classification: Uncertain significance for Juvenile polyposis syndrome. Last evaluated: 2025-10-29. Review status: criteria provided, single submitter. Criteria: Invitae Variant Classification Sherloc (09022015). Collection method: clinical testing. Allele origin: germline.
Comment: This sequence change replaces histidine, which is basic and polar, with tyrosine, which is neutral and polar, at codon 291 of the SMAD4 protein (p.His291Tyr). This variant is not present in population databases (gnomAD no frequency). This variant has not been reported in the literature in individuals affected with SMAD4-related conditions. ClinVar contains an entry for this variant (Variation ID: 216604). Invitae Evidence Modeling of protein sequence and biophysical properties (such as structural, functional, and spatial information, amino acid conservation, physicochemical variation, residue mobility, and thermodynamic stability) has been performed for this missense variant. However, the output from this modeling did not meet the statistical confidence thresholds required to predict the impact of this variant on SMAD4 protein function. In summary, the available evidence is currently insufficient to determine the role of this variant in disease. Therefore, it has been classified as a Variant of Uncertain Significance.

Color Diagnostics, LLC DBA Color Health
Classification: Uncertain significance for Hereditary cancer-predisposing syndrome. Last evaluated: 2024-05-13. Review status: criteria provided, single submitter. Criteria: ACMG Guidelines, 2015. Collection method: clinical testing. Allele origin: germline.
Comment: This missense variant replaces histidine with tyrosine at codon 291 of the SMAD4 protein. Computational prediction suggests that this variant may not impact protein structure and function (internally defined REVEL score threshold <= 0.5, PMID: 27666373). To our knowledge, functional studies have not been reported for this variant. This variant has not been reported in individuals affected with SMAD4-related disorders in the literature. This variant has not been identified in the general population by the Genome Aggregation Database (gnomAD). The available evidence is insufficient to determine the role of this variant in disease conclusively. Therefore, this variant is classified as a Variant of Uncertain Significance.

Ambry Genetics
Classification: Uncertain significance for Hereditary cancer-predisposing syndrome; Familial thoracic aortic aneurysm and aortic dissection. Last evaluated: 2021-10-05. Review status: criteria provided, single submitter. Criteria: Ambry Variant Classification Scheme 2023. Collection method: clinical testing. Allele origin: germline.
Comment: The p.H291Y variant (also known as c.871C>T), located in coding exon 6 of the SMAD4 gene, results from a C to T substitution at nucleotide position 871. The histidine at codon 291 is replaced by tyrosine, an amino acid with similar properties. This amino acid position is highly conserved in available vertebrate species. In addition, this alteration is predicted to be deleterious by in silico analysis. Since supporting evidence is limited at this time, the clinical significance of this alteration remains unclear.

GeneDx
Classification: Uncertain significance. Last evaluated: 2015-07-13. Review status: criteria provided, single submitter. Criteria: GeneDx Variant Classification (06012015). Collection method: clinical testing. Allele origin: germline. Affected: yes.
Comment: This variant is denoted SMAD4 c.871C>T at the cDNA level, p.His291Tyr (H291Y) at the protein level, and results in the change of a Histidine to a Tyrosine (CAC>TAC). This variant has not, to our knowledge, been published in the literature as pathogenic or benign. SMAD4 His291Tyr was not observed in approximately 6,500 individuals of European and African American ancestry in the NHLBI Exome Sequencing Project, indicating it is not a common benign variant in these populations. Since Histidine and Tyrosine differ in polarity, charge, size or other properties, this is considered a non-conservative amino acid substitution. SMAD4 His291Tyr occurs at a position that is conserved across species and is located in the SAD region (Uniprot). In silico analyses are inconsistent regarding the effect this variant may have on protein structure and function. Based on currently available information, it is unclear whether SMAD4 His291Tyr is pathogenic or benign. We consider it to be a variant of uncertain significance.

NM_005359.6(SMAD4):c.871C>T (p.His291Tyr)

Gene: SMAD4 (SMAD family member 4; plus strand). Cytogenetic location: 18q21.2.
Variant type: single nucleotide variant.
Coding change: c.871C>T on transcript NM_005359.6 (MANE Select); coding-DNA position 871, C replaced by T.
Protein change: p.His291Tyr; replaces histidine 291 with tyrosine.
Molecular consequence: missense variant.
Genome position (GRCh38, 1-based): chr18:51,058,423, C>T. VCF-style: chr18-51058423-C-T. GRCh37 (hg19) VCF-style: chr18-48584793-C-T.
Other names: short protein forms H291Y.
Identifiers: ClinVar variation 216604 (VCV000216604.14), dbSNP rs863224733, ClinGen allele CA336910.
Genomic context (GRCh38, chr18:51,058,423, plus strand): 5'-AGTAGGACTGCACCATACACACCTAATTTGCCTCACCACCAAAACGGCCATCTTCAGCAC[C>T]ACCCGCCTATGCCGCCCCATCCCGGACATTACTGTAAGCTCTTGTTTTTGTTGTAAGGGC-3'
Protein context (NP_005350.1, residues 281-301): PHHQNGHLQH[His291Tyr]PPMPPHPGHY